The following is an entry in ClinVar:

ClinVar aggregate classification (germline): Likely pathogenic (1 of 4 stars; one submission).

Conditions:
Early-infantile DEE. Also called: Early infantile epileptic encephalopathy with suppression bursts; Early infantile epileptic encephalopathy; Ohtahara syndrome. Identifiers: Orphanet 1934, MedGen C0393706, MONDO:0800491.

Submission:

Labcorp Genetics (formerly Invitae), Labcorp
Classification: Likely pathogenic for Early-infantile DEE. Last evaluated: 2024-01-02. Review status: criteria provided, single submitter. Criteria: Invitae Variant Classification Sherloc (09022015). Collection method: clinical testing. Allele origin: germline.
Comment: This sequence change replaces threonine, which is neutral and polar, with serine, which is neutral and polar, at codon 955 of the SCN1A protein (p.Thr955Ser). This variant is not present in population databases (gnomAD no frequency). This missense change has been observed in individual(s) with clinical features of autosomal dominant SCN1A-related conditions (Invitae). ClinVar contains an entry for this variant (Variation ID: 1485218). Advanced modeling of protein sequence and biophysical properties (such as structural, functional, and spatial information, amino acid conservation, physicochemical variation, residue mobility, and thermodynamic stability) performed at Invitae indicates that this missense variant is expected to disrupt SCN1A protein function with a positive predictive value of 95%. This variant disrupts the p.Thr955 amino acid residue in SCN1A. Other variant(s) that disrupt this residue have been determined to be pathogenic (PMID: 28012175; Invitae). This suggests that this residue is clinically significant, and that variants that disrupt this residue are likely to be disease-causing. In summary, the currently available evidence indicates that the variant is pathogenic, but additional data are needed to prove that conclusively. Therefore, this variant has been classified as Likely Pathogenic.

Literature cited by the submitters: PubMed 28012175.

NM_001165963.4(SCN1A):c.2863A>T (p.Thr955Ser)

Gene: SCN1A (sodium voltage-gated channel alpha subunit 1; minus strand). Cytogenetic location: 2q24.3.
Variant type: single nucleotide variant.
Coding change: c.2863A>T on transcript NM_001165963.4 (MANE Select); coding-DNA position 2863, A replaced by T.
Protein change: p.Thr955Ser; replaces threonine 955 with serine.
Molecular consequence: missense variant. On other transcripts: non-coding transcript variant (1).
Genome position (GRCh38, 1-based): chr2:166,037,859, T>A on the plus strand (A>T on the coding strand, the complement: SCN1A is on the minus strand). VCF-style: chr2-166037859-T-A. GRCh37 (hg19) VCF-style: chr2-166894369-T-A.
Other names: c.2779A>T, p.Thr927Ser (NM_001165964.3, NM_001353957.2, NM_001353958.2); c.2863A>T, p.Thr955Ser (NM_001202435.3, NM_001353948.2); c.2830A>T, p.Thr944Ser (NM_001353949.2, NM_001353950.2, NM_001353951.2 and 2 more transcripts); c.2827A>T, p.Thr943Ser (NM_001353954.2, NM_001353955.2); c.2776A>T, p.Thr926Ser (NM_001353960.2); c.421A>T, p.Thr141Ser (NM_001353961.2); short protein forms T955S, T926S, T943S, T927S, T141S, T944S.
Identifiers: ClinVar variation 1485218 (VCV001485218.9), dbSNP rs2105806212, ClinGen allele CA349061100.